The following is an entry in ClinVar:

NM_004656.4(BAP1):c.1307A>G (p.Gln436Arg)

Gene: BAP1 (BRCA1 associated deubiquitinase 1; minus strand). Cytogenetic location: 3p21.1.
Variant type: single nucleotide variant.
Coding change: c.1307A>G on transcript NM_004656.4 (MANE Select); coding-DNA position 1307, A replaced by G.
Protein change: p.Gln436Arg; replaces glutamine 436 with arginine.
Molecular consequence: missense variant.
Genome position (GRCh38, 1-based): chr3:52,403,838, T>C on the plus strand (A>G on the coding strand, the complement: BAP1 is on the minus strand). VCF-style: chr3-52403838-T-C. GRCh37 (hg19) VCF-style: chr3-52437854-T-C.
Other names: short protein forms Q436R.
Identifiers: ClinVar variation 998745 (VCV000998745.5), dbSNP rs1705060312, ClinGen allele CA353102207.

ClinVar aggregate classification (germline): Uncertain significance (1 of 4 stars; one submission).

Conditions:
BAP1-related tumor predisposition syndrome (TPDS1). Also called: Tumor susceptibility linked to germline BAP1 mutations; BAP1 tumor predisposition syndrome; COMMON Syndrome; TUMOR PREDISPOSITION SYNDROME 1. Identifiers: Orphanet 289539, MedGen C3280492, MONDO:0013692, OMIM 614327.

Submission:

Labcorp Genetics (formerly Invitae), Labcorp
Classification: Uncertain significance for BAP1-related tumor predisposition syndrome. Last evaluated: 2018-04-27. Review status: criteria provided, single submitter. Criteria: Invitae Variant Classification Sherloc (09022015). Collection method: clinical testing. Allele origin: germline.
Comment: This variant has not been reported in the literature in individuals with BAP1-related disease. In summary, the available evidence is currently insufficient to determine the role of this variant in disease. Therefore, it has been classified as a Variant of Uncertain Significance. Algorithms developed to predict the effect of missense changes on protein structure and function do not agree on the potential impact of this missense change (SIFT: "Deleterious"; PolyPhen-2: "Benign"; Align-GVGD: "Class C0"). This variant is not present in population databases (ExAC no frequency). This sequence change replaces glutamine with arginine at codon 436 of the BAP1 protein (p.Gln436Arg). The glutamine residue is moderately conserved and there is a small physicochemical difference between glutamine and arginine.